The following is an entry in ClinVar:

NM_001048174.2(MUTYH):c.286G>A (p.Asp96Asn)

Gene: MUTYH (mutY DNA glycosylase; minus strand). Cytogenetic location: 1p34.1.
Variant type: single nucleotide variant.
Coding change: c.286G>A on transcript NM_001048174.2 (MANE Select); coding-DNA position 286, G replaced by A.
Protein change: p.Asp96Asn; replaces aspartic acid 96 with asparagine.
Molecular consequence: missense variant. On other transcripts: nonsense (3), non-coding transcript variant (7).
Genome position (GRCh38, 1-based): chr1:45,333,303, C>T on the plus strand (G>A on the coding strand, the complement: MUTYH is on the minus strand). VCF-style: chr1-45333303-C-T. GRCh37 (hg19) VCF-style: chr1-45798975-C-T.
Other names: c.286G>A, p.Asp96Asn (NM_001048171.2, NM_001048173.2, NM_001293195.2 and 6 more transcripts); c.289G>A, p.Asp97Asn (NM_001048172.2, NM_001407071.1, NM_001407078.1 and 2 more transcripts); c.370G>A, p.Asp124Asn (NM_001128425.2); c.331G>A, p.Asp111Asn (NM_001293190.2); c.319G>A, p.Asp107Asn (NM_001293191.2, NM_001407077.1); c.10G>A, p.Asp4Asn (NM_001293192.2, NM_001293196.2, NM_001407091.1); c.15G>A, p.Trp5Ter (NM_001350650.2, NM_001350651.2, NM_001407082.1); c.361G>A, p.Asp121Asn (NM_001407069.1, NM_012222.3); and 3 more; short protein forms D103N, D121N, D96N, D97N, D4N, D107N, D110N, W5*.
Identifiers: ClinVar variation 4112820 (VCV004112820.1).

ClinVar aggregate classification (germline): Uncertain significance (1 of 4 stars; one submission).

Conditions:
Hereditary cancer-predisposing syndrome. Also called: Tumor predisposition; Neoplastic Syndromes, Hereditary; Hereditary neoplastic syndrome; Hereditary Cancer Syndrome. Identifiers: Orphanet 140162, MedGen C0027672, MeSH D009386, MONDO:0015356.

Submission:

Ambry Genetics
Classification: Uncertain significance for Hereditary cancer-predisposing syndrome. Last evaluated: 2025-08-27. Review status: criteria provided, single submitter. Criteria: Ambry Variant Classification Scheme 2023. Collection method: clinical testing. Allele origin: germline.
Comment: The p.D124N variant (also known as c.370G>A), located in coding exon 4 of the MUTYH gene, results from a G to A substitution at nucleotide position 370. The aspartic acid at codon 124 is replaced by asparagine, an amino acid with highly similar properties. This amino acid position is conserved. In addition, this alteration is predicted to be tolerated by in silico analysis. Based on the available evidence, the clinical significance of this variant remains unclear.